The following is an entry in ClinVar:

ClinVar aggregate classification (germline): Uncertain significance. Review status: criteria provided, multiple submitters, no conflicts (2 of 4 stars). 3 submissions from 3 submitters: Uncertain significance (3). Last evaluated 2026-06-14.

Conditions:
Familial thoracic aortic aneurysm and aortic dissection (TAAD). Also called: Thoracic aortic aneurysms and dissections. Identifiers: Orphanet 91387, MedGen C4707243, MONDO:0019625.
Hereditary cancer-predisposing syndrome. Also called: Hereditary Cancer Syndrome; Hereditary neoplastic syndrome; Neoplastic Syndromes, Hereditary; Tumor predisposition. Identifiers: Orphanet 140162, MedGen C0027672, MeSH D009386, MONDO:0015356.
Juvenile polyposis syndrome (JPS). Identifiers: Orphanet 2929, MedGen C0345893, MONDO:0017380, OMIM 174900.

Submissions (3):

Ambry Genetics
Classification: Uncertain significance for Hereditary cancer-predisposing syndrome; Familial thoracic aortic aneurysm and aortic dissection. Last evaluated: 2026-06-14. Review status: criteria provided, single submitter. Criteria: Ambry Variant Classification Scheme 2023. Collection method: clinical testing. Allele origin: germline.
Comment: The p.G236V variant (also known as c.707G>T), located in coding exon 5 of the SMAD4 gene, results from a G to T substitution at nucleotide position 707. The glycine at codon 236 is replaced by valine, an amino acid with dissimilar properties. This amino acid position is conserved. In addition, this alteration is predicted to be deleterious by in silico analysis. Based on the available evidence, the clinical significance of this variant remains unclear.

Quest Diagnostics Nichols Institute San Juan Capistrano
Classification: Uncertain significance. Last evaluated: 2025-10-24. Review status: criteria provided, single submitter. Criteria: Quest Diagnostics criteria. Collection method: clinical testing. Allele origin: unknown.
Comment: The SMAD4 c.707G>T (p.Gly236Val) variant has not been reported in individuals with SMAD4-related conditions in the published literature. This variant has not been reported in large, multi-ethnic general populations (Genome Aggregation Database). Analysis of this variant using bioinformatics tools for the prediction of the effect of amino acid changes on protein structure and function yielded predictions that this variant is benign. Based on the available information, we are unable to determine the clinical significance of this variant.

Labcorp Genetics (formerly Invitae), Labcorp
Classification: Uncertain significance for Juvenile polyposis syndrome. Last evaluated: 2024-02-19. Review status: criteria provided, single submitter. Criteria: Invitae Variant Classification Sherloc (09022015). Collection method: clinical testing. Allele origin: germline.
Comment: This sequence change replaces glycine, which is neutral and non-polar, with valine, which is neutral and non-polar, at codon 236 of the SMAD4 protein (p.Gly236Val). This variant is not present in population databases (gnomAD no frequency). This variant has not been reported in the literature in individuals affected with SMAD4-related conditions. Advanced modeling of protein sequence and biophysical properties (such as structural, functional, and spatial information, amino acid conservation, physicochemical variation, residue mobility, and thermodynamic stability) performed at Invitae indicates that this missense variant is not expected to disrupt SMAD4 protein function with a negative predictive value of 95%. In summary, the available evidence is currently insufficient to determine the role of this variant in disease. Therefore, it has been classified as a Variant of Uncertain Significance.

NM_005359.6(SMAD4):c.707G>T (p.Gly236Val)

Gene: SMAD4 (SMAD family member 4; plus strand). Cytogenetic location: 18q21.2.
Variant type: single nucleotide variant.
Coding change: c.707G>T on transcript NM_005359.6 (MANE Select); coding-DNA position 707, G replaced by T.
Protein change: p.Gly236Val; replaces glycine 236 with valine.
Molecular consequence: missense variant. On other transcripts: non-coding transcript variant (2).
Genome position (GRCh38, 1-based): chr18:51,058,164, G>T. VCF-style: chr18-51058164-G-T. GRCh37 (hg19) VCF-style: chr18-48584534-G-T.
Other names: c.707G>T, p.Gly236Val (NM_001407041.1, NM_001407042.1, NM_001407043.1); short protein forms G236V.
Identifiers: ClinVar variation 3698185 (VCV003698185.4).